The following is an entry in ClinVar:

ClinVar aggregate classification (germline): Likely benign. Review status: criteria provided, multiple submitters, no conflicts (2 of 4 stars). 2 submissions from 2 submitters: Likely benign (2). Last evaluated 2026-01-25.

Conditions:
Autosomal recessive limb-girdle muscular dystrophy type 2J (LGMDR10). Also called: MUSCULAR DYSTROPHY, LIMB-GIRDLE, AUTOSOMAL RECESSIVE 10; Limb-girdle muscular dystrophy, type 2J. Identifiers: Orphanet 140922, MedGen C1837342, MONDO:0012127, OMIM 608807.
Dilated cardiomyopathy 1G (CMD1G). Identifiers: Orphanet 154, MedGen C1858763, MONDO:0011400, OMIM 604145.

Allele frequency attached by ClinVar (database versions not stated): gnomAD 0.00001; gnomAD exomes 0.00001; ExAC 0.00002.
gnomAD v4.1: 12 of 1,613,172 alleles (0.00074%); highest among the groups gnomAD compares: Admixed American, 0.01%; no homozygotes.

Submissions (2):

Labcorp Genetics (formerly Invitae), Labcorp
Classification: Likely benign for Dilated cardiomyopathy 1G; Autosomal recessive limb-girdle muscular dystrophy type 2J. Last evaluated: 2026-01-25. Review status: criteria provided, single submitter. Criteria: Invitae Variant Classification Sherloc (09022015). Collection method: clinical testing. Allele origin: germline.

GeneDx
Classification: Likely benign. Last evaluated: 2017-09-14. Review status: criteria provided, single submitter. Criteria: GeneDx Variant Classification (06012015). Collection method: clinical testing. Allele origin: germline. Affected: yes.
Comment: This variant is considered likely benign or benign based on one or more of the following criteria: it is a conservative change, it occurs at a poorly conserved position in the protein, it is predicted to be benign by multiple in silico algorithms, and/or has population frequency not consistent with disease.

NM_001267550.2(TTN):c.39211+16G>T

Gene: TTN (titin; minus strand). Cytogenetic location: 2q31.2.
Variant type: single nucleotide variant.
Coding change: c.39211+16G>T on transcript NM_001267550.2 (MANE Select); 16 bases into the intron after coding-DNA position 39211, G replaced by T.
Molecular consequence: intron variant.
Genome position (GRCh38, 1-based): chr2:178,652,248, C>A on the plus strand (G>T on the coding strand, the complement: TTN is on the minus strand). VCF-style: chr2-178652248-C-A. GRCh37 (hg19) VCF-style: chr2-179516975-C-A.
Other names: c.34690+16G>T (NM_001256850.1); c.13283-9931G>T (NM_003319.4); c.13859-9931G>T (NM_133437.4); c.13658-9931G>T (NM_133432.3); c.31909+16G>T (NM_133378.4).
Identifiers: ClinVar variation 512217 (VCV000512217.4), dbSNP rs753691920, ClinGen allele CA1996826.